The following is an entry in ClinVar:

NM_001943.5(DSG2):c.172C>G (p.Leu58Val)

Gene: DSG2 (desmoglein 2; plus strand). Cytogenetic location: 18q12.1.
Variant type: single nucleotide variant.
Coding change: c.172C>G on transcript NM_001943.5 (MANE Select); coding-DNA position 172, C replaced by G.
Protein change: p.Leu58Val; replaces leucine 58 with valine.
Molecular consequence: missense variant.
Genome position (GRCh38, 1-based): chr18:31,519,893, C>G. VCF-style: chr18-31519893-C-G. GRCh37 (hg19) VCF-style: chr18-29099856-C-G.
Other names: short protein forms L58V.
Identifiers: ClinVar variation 915834 (VCV000915834.12), dbSNP rs780300040, ClinGen allele CA402130889.
Genomic context (GRCh38, chr18:31,519,893, plus strand): 5'-CTTCCTAAACATCCTCATTTAGTGCGGCAAAAGCGCGCCTGGATCACCGCCCCCGTGGCT[C>G]TTCGGGAGGGAGAGGATCTGTCCAAGAAGAATCCAATTGCCAAGGTACCTCCTAAAGAGG-3'
Protein context (NP_001934.2, residues 48-68): KRAWITAPVA[Leu58Val]REGEDLSKKN

ClinVar aggregate classification (germline): Uncertain significance. Review status: criteria provided, multiple submitters, no conflicts (2 of 4 stars). 5 submissions from 5 submitters: Uncertain significance (5). Last evaluated 2024-05-30.

Conditions:
Cardiovascular phenotype. Identifiers: MedGen CN230736.
Arrhythmogenic right ventricular cardiomyopathy (ARVD). Also called: Arrhythmogenic cardiomyopathy; Cardiomyopathy, ARVC; Arrhythmogenic right ventricular dysplasia; Arrhythmogenic Right Ventricular Cardiomyopathy (ARVC). Identifiers: Orphanet 247, MedGen C0349788, MeSH D019571, MONDO:0016587. Disease mechanism: loss of function. Inheritance: Various modes of inheritance.
Cardiomyopathy (CMYO). Also called: Cardiomyopathies. Identifiers: Orphanet 167848, MedGen C0878544, MONDO:0004994, HP:0001638. Inheritance: Various modes of inheritance.
Arrhythmogenic right ventricular dysplasia 10. Also called: Arrhythmogenic Right Ventricular Dysplasia/Cardiomyopathy10; ARRHYTHMOGENIC RIGHT VENTRICULAR DYSPLASIA, FAMILIAL, 10; Arrhythmogenic right ventricular dysplasia/cardiomyopathy, type 10. Identifiers: MedGen C1857777, MONDO:0012434, OMIM 610193.

Allele frequency attached by ClinVar (database versions not stated): gnomAD 0.00001.
gnomAD v4.1: 11 of 1,614,024 alleles (0.00068%); highest among the groups gnomAD compares: Middle Eastern, 0.033%; no homozygotes.

Submissions (5):

All of Us Research Program, National Institutes of Health
Classification: Uncertain significance for Arrhythmogenic right ventricular cardiomyopathy. Last evaluated: 2024-05-30. Review status: criteria provided, single submitter. Criteria: ACMG Guidelines, 2015. Collection method: clinical testing. Allele origin: germline. Inheritance: Autosomal dominant inheritance. Observed: 2 variant alleles, 2 heterozygotes.
Comment: This missense variant replaces leucine with valine at codon 58 of the DSG2 protein. Computational prediction suggests that this variant may not impact protein structure and function (internally defined REVEL score threshold <= 0.5, PMID: 27666373). To our knowledge, functional studies have not been reported for this variant. This variant has not been reported in individuals affected with cardiovascular disorders in the literature. This variant has been identified in 1/31404 chromosomes in the general population by the Genome Aggregation Database (gnomAD). The available evidence is insufficient to determine the role of this variant in disease conclusively. Therefore, this variant is classified as a Variant of Uncertain Significance.

This study involves interpretation of variants in research participants for the purpose of population health screening. Participant phenotype was not available at the time of variant classification. Additional details can be found in publication PMID: 35346344, PMCID: PMC8962531

Color Diagnostics, LLC DBA Color Health
Classification: Uncertain significance for Cardiomyopathy. Last evaluated: 2024-05-13. Review status: criteria provided, single submitter. Criteria: ACMG Guidelines, 2015. Collection method: clinical testing. Allele origin: germline.
Comment: This missense variant replaces leucine with valine at codon 58 of the DSG2 protein. Computational prediction suggests that this variant may not impact protein structure and function (internally defined REVEL score threshold <= 0.5, PMID: 27666373). To our knowledge, functional studies have not been reported for this variant. This variant has been reported in an individual affected with Brugada syndrome ( PMID: 26220970). This variant has been identified in 1/31404 chromosomes in the general population by the Genome Aggregation Database (gnomAD). The available evidence is insufficient to determine the role of this variant in disease conclusively. Therefore, this variant is classified as a Variant of Uncertain Significance.

Labcorp Genetics (formerly Invitae), Labcorp
Classification: Uncertain significance for Arrhythmogenic right ventricular dysplasia 10. Last evaluated: 2023-11-24. Review status: criteria provided, single submitter. Criteria: Invitae Variant Classification Sherloc (09022015). Collection method: clinical testing. Allele origin: germline.
Comment: This sequence change replaces leucine, which is neutral and non-polar, with valine, which is neutral and non-polar, at codon 58 of the DSG2 protein (p.Leu58Val). This variant is present in population databases (no rsID available, gnomAD 0.007%). This missense change has been observed in individual(s) with Brugada syndrome (PMID: 26220970). ClinVar contains an entry for this variant (Variation ID: 915834). Advanced modeling of protein sequence and biophysical properties (such as structural, functional, and spatial information, amino acid conservation, physicochemical variation, residue mobility, and thermodynamic stability) performed at Invitae indicates that this missense variant is not expected to disrupt DSG2 protein function with a negative predictive value of 95%. In summary, the available evidence is currently insufficient to determine the role of this variant in disease. Therefore, it has been classified as a Variant of Uncertain Significance.

Ambry Genetics
Classification: Uncertain significance for Cardiovascular phenotype. Last evaluated: 2022-08-11. Review status: criteria provided, single submitter. Criteria: Ambry Variant Classification Scheme 2023. Collection method: clinical testing. Allele origin: germline.
Comment: The p.L58V variant (also known as c.172C>G), located in coding exon 3 of the DSG2 gene, results from a C to G substitution at nucleotide position 172. The leucine at codon 58 is replaced by valine, an amino acid with highly similar properties. This alteration has been reported in a Brugada syndrome cohort; however, clinical details were limited (Di Resta C et al. Hum Mol Genet, 2015 Oct;24:5828-35). This amino acid position is well conserved in available vertebrate species. In addition, this alteration is predicted to be tolerated by in silico analysis. Since supporting evidence is limited at this time, the clinical significance of this alteration remains unclear.

CHEO Genetics Diagnostic Laboratory, Children's Hospital of Eastern Ontario
Classification: Uncertain significance for Cardiomyopathy. Last evaluated: 2018-05-01. Review status: criteria provided, single submitter. Criteria: ACMG Guidelines, 2015. Collection method: clinical testing. Allele origin: germline.

Literature cited by the submitters: PubMed 26220970 (cited by Labcorp Genetics (formerly Invitae), Labcorp and Ambry Genetics).